The following is an entry in ClinVar:

NM_145239.3(PRRT2):c.420_433del (p.Gln141fs)

Genes: MVP-DT (MVP divergent transcript; minus strand), PRRT2 (proline rich transmembrane protein 2; plus strand). Cytogenetic location: 16p11.2.
Variant type: Deletion.
Coding change: c.420_433del on transcript NM_145239.3 (MANE Select); coding-DNA positions 420 to 433, 14 bases deleted (CCAACCAGACCCCC).
Protein change: p.Gln141fs; shifts the reading frame from glutamine 141.
Molecular consequence: frameshift variant.
Genome position (GRCh38, 1-based): chr16:29,813,474-29,813,487, CCAACCAGACCCCC deleted; deleting any 14 consecutive bases within chr16:29,813,472-29,813,487 gives the same sequence; the c. name uses the placement nearest the transcript's 3' end. VCF-style (leftmost placement, unchanged base first): chr16-29813471-TCCCCAACCAGACCC-T. GRCh37 (hg19) VCF-style: chr16-29824792-TCCCCAACCAGACCC-T.
Other names: c.420_433del, p.Gln141fs (NM_001256442.2, NM_001256443.2, NM_001438120.1 and 2 more transcripts); short protein forms Q141fs.
Identifiers: ClinVar variation 4724351 (VCV004724351.1).

ClinVar aggregate classification (germline): Pathogenic (1 of 4 stars; one submission).

Conditions:
Episodic kinesigenic dyskinesia (EKD). Also called: Paroxysmal kinesigenic dyskinesia. Identifiers: Orphanet 98809, MedGen C1868682, MONDO:0044202.

Submission:

Labcorp Genetics (formerly Invitae), Labcorp
Classification: Pathogenic for Episodic kinesigenic dyskinesia. Last evaluated: 2025-07-30. Review status: criteria provided, single submitter. Criteria: Invitae Variant Classification Sherloc (09022015). Collection method: clinical testing. Allele origin: germline.
Comment: This sequence change creates a premature translational stop signal (p.Gln141Alafs*24) in the PRRT2 gene. It is expected to result in an absent or disrupted protein product. Loss-of-function variants in PRRT2 are known to be pathogenic (PMID: 22623405, 22744660). This variant is not present in population databases (gnomAD no frequency). This variant has not been reported in the literature in individuals affected with PRRT2-related conditions. For these reasons, this variant has been classified as Pathogenic.

Literature cited by the submitters: PubMed 22623405; PubMed 22744660.